The following is an entry in ClinVar:

NM_001080409.3(ZNF99):c.1827A>G (p.Arg609=)

Gene: ZNF99 (zinc finger protein 99; minus strand). Cytogenetic location: 19p12.
Variant type: single nucleotide variant.
Coding change: c.1827A>G on transcript NM_001080409.3 (MANE Select); coding-DNA position 1827, A replaced by G.
Protein change: p.Arg609=; no amino-acid change (arginine 609 retained).
Molecular consequence: synonymous variant.
Genome position (GRCh38, 1-based): chr19:22,758,082, T>C on the plus strand (A>G on the coding strand, the complement: ZNF99 is on the minus strand). VCF-style: chr19-22758082-T-C. GRCh37 (hg19) VCF-style: chr19-22940884-T-C.
Identifiers: ClinVar variation 4534070 (VCV004534070.6).

ClinVar aggregate classification (germline): Likely benign (1 of 4 stars; one submission).

gnomAD v4.1: 11 of 1,602,842 alleles (0.00069%); highest among the groups gnomAD compares: African/African-American, 0.012%; no homozygotes.

Submission:

CeGaT Center for Human Genetics Tuebingen
Classification: Likely benign. Last evaluated: 2025-11-01. Review status: criteria provided, single submitter. Criteria: CeGaT Center For Human Genetics Tuebingen Variant Classification Criteria Version 2. Collection method: clinical testing. Allele origin: germline. Affected: yes. Observed: 1 variant allele.
Comment: ZNF99: BP4, BP7